The following is an entry in ClinVar:

NM_001367561.1(DOCK7):c.5855G>T (p.Arg1952Leu)

Gene: DOCK7 (dedicator of cytokinesis 7; minus strand). Cytogenetic location: 1p31.3.
Variant type: single nucleotide variant.
Coding change: c.5855G>T on transcript NM_001367561.1 (MANE Select); coding-DNA position 5855, G replaced by T.
Protein change: p.Arg1952Leu; replaces arginine 1952 with leucine.
Molecular consequence: missense variant.
Genome position (GRCh38, 1-based): chr1:62,475,813, C>A on the plus strand (G>T on the coding strand, the complement: DOCK7 is on the minus strand). VCF-style: chr1-62475813-C-A. GRCh37 (hg19) VCF-style: chr1-62941484-C-A.
Other names: c.5822G>T, p.Arg1941Leu (NM_001271999.2); c.5735G>T, p.Arg1912Leu (NM_001272000.2); c.5729G>T, p.Arg1910Leu (NM_001272001.2); c.5828G>T, p.Arg1943Leu (NM_001330614.2); c.5762G>T, p.Arg1921Leu (NM_033407.4); short protein forms R1910L, R1912L, R1921L, R1941L, R1943L, R1952L.
Identifiers: ClinVar variation 1706360 (VCV001706360.2), dbSNP rs149407043, ClinGen allele CA340603231.

ClinVar aggregate classification (germline): Uncertain significance (1 of 4 stars; one submission).

Submission:

GeneDx
Classification: Uncertain significance. Last evaluated: 2022-03-15. Review status: criteria provided, single submitter. Criteria: GeneDx Variant Classification Process June 2021. Collection method: clinical testing. Allele origin: germline. Affected: yes.
Comment: Not observed at significant frequency in large population cohorts (gnomAD); In silico analysis supports that this missense variant has a deleterious effect on protein structure/function; Has not been previously published as pathogenic or benign to our knowledge